The following is an entry in ClinVar:

NM_005732.4(RAD50):c.1329_1330insAAGTT (p.Glu444fs)

Gene: RAD50 (RAD50 double strand break repair protein; plus strand). Cytogenetic location: 5q31.1.
Variant type: Insertion.
Coding change: c.1329_1330insAAGTT on transcript NM_005732.4 (MANE Select); coding-DNA positions 1329 to 1330, AAGTT inserted.
Protein change: p.Glu444fs; shifts the reading frame from glutamic acid 444.
Molecular consequence: frameshift variant.
Genome position: GRCh38 VCF-style: chr5-132589712-A-ATTAAG. GRCh37 (hg19) VCF-style: chr5-131925404-A-ATTAAG.
Other names: short protein forms E444fs.
Identifiers: ClinVar variation 1075433 (VCV001075433.7), dbSNP rs2149841496, ClinGen allele CA2499217573.

ClinVar aggregate classification (germline): Pathogenic (1 of 4 stars; one submission).

Conditions:
Hereditary cancer-predisposing syndrome. Also called: Tumor predisposition; Hereditary neoplastic syndrome; Neoplastic Syndromes, Hereditary; Hereditary Cancer Syndrome. Identifiers: Orphanet 140162, MedGen C0027672, MeSH D009386, MONDO:0015356.

Submission:

Labcorp Genetics (formerly Invitae), Labcorp
Classification: Pathogenic for Hereditary cancer-predisposing syndrome. Last evaluated: 2021-09-29. Review status: criteria provided, single submitter. Criteria: Invitae Variant Classification Sherloc (09022015). Collection method: clinical testing. Allele origin: germline.
Comment: This sequence change creates a premature translational stop signal (p.Glu444Lysfs*4) in the RAD50 gene. It is expected to result in an absent or disrupted protein product. Loss-of-function variants in RAD50 are known to be pathogenic (PMID: 19409520). This variant is not present in population databases (ExAC no frequency). This variant has not been reported in the literature in individuals affected with RAD50-related conditions. ClinVar contains an entry for this variant (Variation ID: 1075433). For these reasons, this variant has been classified as Pathogenic.

Literature cited by the submitters: PubMed 19409520.